The following is an entry in ClinVar:

ClinVar aggregate classification (germline): Uncertain significance. Review status: criteria provided, single submitter (1 of 4 stars). 2 submissions from 2 submitters: Uncertain significance (1). 1 of the submissions does not count toward it. Last evaluated 2022-02-02.

Conditions:
SLC16A1-related disorder. Also called: SLC16A1-related disorders; SLC16A1-related condition.

Allele frequency attached by ClinVar (database versions not stated): gnomAD 0.00001; gnomAD exomes 0.00003; ExAC 0.00004.
gnomAD v4.1: 19 of 1,613,982 alleles (0.0012%); highest among the groups gnomAD compares: East Asian, 0.042%; no homozygotes.

Submissions (2):

Labcorp Genetics (formerly Invitae), Labcorp
Classification: Uncertain significance. Last evaluated: 2022-02-02. Review status: criteria provided, single submitter. Criteria: Invitae Variant Classification Sherloc (09022015). Collection method: clinical testing. Allele origin: germline.
Comment: This sequence change replaces alanine, which is neutral and non-polar, with glycine, which is neutral and non-polar, at codon 26 of the SLC16A1 protein (p.Ala26Gly). This variant is present in population databases (rs777263138, gnomAD 0.05%). This variant has not been reported in the literature in individuals affected with SLC16A1-related conditions. Algorithms developed to predict the effect of missense changes on protein structure and function are either unavailable or do not agree on the potential impact of this missense change (SIFT: "Tolerated"; PolyPhen-2: "Possibly Damaging"; Align-GVGD: "Class C0"). In summary, the available evidence is currently insufficient to determine the role of this variant in disease. Therefore, it has been classified as a Variant of Uncertain Significance.

PreventionGenetics, part of Exact Sciences
Classification: Uncertain significance for SLC16A1-related condition. Last evaluated: 2024-01-12. Review status: no assertion criteria provided. Collection method: clinical testing. Allele origin: germline. Not counted in ClinVar's aggregate classification.
Comment: The SLC16A1 c.77C>G variant is predicted to result in the amino acid substitution p.Ala26Gly. To our knowledge, this variant has not been reported in the literature. This variant is reported in 0.040% of alleles in individuals of East Asian descent in gnomAD. At this time, the clinical significance of this variant is uncertain due to the absence of conclusive functional and genetic evidence.

NM_003051.4(SLC16A1):c.77C>G (p.Ala26Gly)

Gene: SLC16A1 (solute carrier family 16 member 1; minus strand). Cytogenetic location: 1p13.2.
Variant type: single nucleotide variant.
Coding change: c.77C>G on transcript NM_003051.4 (MANE Select); coding-DNA position 77, C replaced by G.
Protein change: p.Ala26Gly; replaces alanine 26 with glycine.
Molecular consequence: missense variant.
Genome position (GRCh38, 1-based): chr1:112,929,232, G>C on the plus strand (C>G on the coding strand, the complement: SLC16A1 is on the minus strand). VCF-style: chr1-112929232-G-C. GRCh37 (hg19) VCF-style: chr1-113471854-G-C.
Other names: c.77C>G, p.Ala26Gly (NM_001166496.2); c.77C>G (NM_003051.3); short protein forms A26G.
Identifiers: ClinVar variation 1913524 (VCV001913524.7), dbSNP rs777263138, ClinGen allele CA1011528.
Genomic context (GRCh38, chr1:112,929,232, plus strand): 5'-TCTTTGAAGAAGACAGTAATTGATTTGGGAAATGCATAAGAGAAGCCGATGGAAATGAAA[G>C]CTCCAATTACCACTGCCCAGCCCCAGCCTCCATCTGGGGGGGTGTATCCAACTGGACCTC-3'
Protein context (NP_003042.3, residues 16-36): GGWGWAVVIG[Ala26Gly]FISIGFSYAF